The following is an entry in ClinVar:

NM_016628.5(WAC):c.47A>G (p.His16Arg)

Genes: WAC (WW domain containing adaptor with coiled-coil; plus strand), LOC130003576 (ATAC-STARR-seq lymphoblastoid silent region 2255; plus strand). Cytogenetic location: 10p12.1.
Variant type: single nucleotide variant.
Coding change: c.47A>G on transcript NM_016628.5 (MANE Select); coding-DNA position 47, A replaced by G.
Protein change: p.His16Arg; replaces histidine 16 with arginine.
Molecular consequence: missense variant. On other transcripts: 5 prime UTR variant (1).
Genome position (GRCh38, 1-based): chr10:28,534,003, A>G. VCF-style: chr10-28534003-A-G. GRCh37 (hg19) VCF-style: chr10-28822932-A-G.
Other names: c.-89A>G (NM_100264.3); c.47A>G, p.His16Arg (NM_100486.4); short protein forms H16R.
Identifiers: ClinVar variation 4527314 (VCV004527314.1).
Genomic context (GRCh38, chr10:28,534,003, plus strand): 5'-CGGCCCCCCACCCGCGCCGTGTCTTATGTCGCTGCCTTCTCTTCCTGTTTTTCAGCTGTC[A>G]CGACCGGAGGGGGGACTCGCAGCCTTACCAGGTACCAGCCGAGGCCGGGGTGGAGGGATT-3'
Protein context (NP_057712.2, residues 6-26): RKQQRLSDGC[His16Arg]DRRGDSQPYQ

ClinVar aggregate classification (germline): Uncertain significance (1 of 4 stars; one submission).

Submission:

GeneDx
Classification: Uncertain significance. Last evaluated: 2025-04-23. Review status: criteria provided, single submitter. Criteria: GeneDx Variant Classification Process June 2021. Collection method: clinical testing. Allele origin: germline. Affected: yes.
Comment: Not observed at significant frequency in large population cohorts (gnomAD); In silico analysis indicates that this missense variant does not alter protein structure/function; Has not been previously published as pathogenic or benign to our knowledge